The following is an entry in ClinVar:

ClinVar aggregate classification (germline): Conflicting classifications of pathogenicity. Review status: criteria provided, conflicting classifications (1 of 4 stars). 2 submissions from 2 submitters: Uncertain significance (1); Likely benign (1). Last evaluated 2025-07-30.

Allele frequency attached by ClinVar (database versions not stated): 1000 Genomes Project 30x 0.00016; ExAC 0.00017; 1000 Genomes Project 0.00020.

Submissions (2):

Quest Diagnostics Nichols Institute San Juan Capistrano
Classification: Uncertain significance. Last evaluated: 2025-07-30. Review status: criteria provided, single submitter. Criteria: Quest Diagnostics criteria. Collection method: clinical testing. Allele origin: unknown.
Comment: The HBA1 c.-15C>G variant has not been reported in individuals with HBA1-related conditions in the published literature. The frequency of this variant in the general population (Genome Aggregation Database) is uninformative in the assessment of its pathogenicity. Based on the available information, we are unable to determine the clinical significance of this variant.

CeGaT Center for Human Genetics Tuebingen
Classification: Likely benign. Last evaluated: 2022-03-01. Review status: criteria provided, single submitter. Criteria: CeGaT Center For Human Genetics Tuebingen Variant Classification Criteria Version 2. Collection method: clinical testing. Allele origin: germline. Affected: yes. Observed: 1 variant allele.
Comment: HBA1: BS2

NM_000558.5(HBA1):c.-15C>G

Genes: HBA1 (hemoglobin subunit alpha 1; plus strand), LOC106804613 (hemoglobin subunit alpha 1 recombination region; plus strand). Cytogenetic location: 16p13.3.
Variant type: single nucleotide variant.
Coding change: c.-15C>G on transcript NM_000558.5 (MANE Select); 15 bases upstream of the start codon, C replaced by G.
Molecular consequence: 5 prime UTR variant.
Genome position (GRCh38, 1-based): chr16:176,702, C>G. VCF-style: chr16-176702-C-G. GRCh37 (hg19) VCF-style: chr16-226701-C-G.
Other names: c.-15C>G (NM_000558.3).
Identifiers: ClinVar variation 2645774 (VCV002645774.25), dbSNP rs571903706, ClinGen allele CA7770219.